The following is an entry in ClinVar:

ClinVar aggregate classification (germline): Uncertain significance (1 of 4 stars; one submission).

Conditions:
Joubert syndrome. Also called: CEREBELLOPARENCHYMAL DISORDER IV; JOUBERT-BOLTSHAUSER SYNDROME; Familial aplasia of the vermis. Identifiers: Orphanet 475, MedGen C5979921, MONDO:0018772.

Submission:

Labcorp Genetics (formerly Invitae), Labcorp
Classification: Uncertain significance for Joubert syndrome. Last evaluated: 2021-12-19. Review status: criteria provided, single submitter. Criteria: Invitae Variant Classification Sherloc (09022015). Collection method: clinical testing. Allele origin: germline.
Comment: This sequence change replaces isoleucine, which is neutral and non-polar, with methionine, which is neutral and non-polar, at codon 368 of the AHI1 protein (p.Ile368Met). This variant is not present in population databases (gnomAD no frequency). This variant has not been reported in the literature in individuals affected with AHI1-related conditions. Algorithms developed to predict the effect of missense changes on protein structure and function are either unavailable or do not agree on the potential impact of this missense change (SIFT: "Deleterious"; PolyPhen-2: "Probably Damaging"; Align-GVGD: "Class C0"). In summary, the available evidence is currently insufficient to determine the role of this variant in disease. Therefore, it has been classified as a Variant of Uncertain Significance.

NM_001134831.2(AHI1):c.1104T>G (p.Ile368Met)

Gene: AHI1 (Abelson helper integration site 1; minus strand). Cytogenetic location: 6q23.3.
Variant type: single nucleotide variant.
Coding change: c.1104T>G on transcript NM_001134831.2 (MANE Select); coding-DNA position 1104, T replaced by G.
Protein change: p.Ile368Met; replaces isoleucine 368 with methionine.
Molecular consequence: missense variant.
Genome position (GRCh38, 1-based): chr6:135,457,541, A>C on the plus strand (T>G on the coding strand, the complement: AHI1 is on the minus strand). VCF-style: chr6-135457541-A-C. GRCh37 (hg19) VCF-style: chr6-135778679-A-C.
Other names: c.1104T>G, p.Ile368Met (NM_001134830.2, NM_001134832.2, NM_001350503.2 and 2 more transcripts); short protein forms I368M.
Identifiers: ClinVar variation 2048042 (VCV002048042.1), dbSNP rs1050149892, ClinGen allele CA148143084.